The following is an entry in ClinVar:

NM_001114753.3(ENG):c.1726A>G (p.Ser576Gly)

Genes: ENG (endoglin; minus strand), LOC102723566 (uncharacterized LOC102723566; plus strand). Cytogenetic location: 9q34.11.
Variant type: single nucleotide variant.
Coding change: c.1726A>G on transcript NM_001114753.3 (MANE Select); coding-DNA position 1726, A replaced by G.
Protein change: p.Ser576Gly; replaces serine 576 with glycine.
Molecular consequence: missense variant. On other transcripts: non-coding transcript variant (1).
Genome position (GRCh38, 1-based): chr9:127,817,164, T>C on the plus strand (A>G on the coding strand, the complement: ENG is on the minus strand). VCF-style: chr9-127817164-T-C. GRCh37 (hg19) VCF-style: chr9-130579443-T-C.
Other names: c.1726A>G, p.Ser576Gly (NM_000118.4); c.1180A>G, p.Ser394Gly (NM_001278138.2); short protein forms S576G, S394G.
Identifiers: ClinVar variation 582079 (VCV000582079.12), dbSNP rs1564452024, ClinGen allele CA374973482.

ClinVar aggregate classification (germline): Uncertain significance (1 of 4 stars; one submission).

Conditions:
Hereditary hemorrhagic telangiectasia (HHT). Also called: ORW DISEASE; Osler Weber Rendu syndrome; OSLER-RENDU-WEBER DISEASE; Osler hemorrhagic telangiectasia syndrome. Identifiers: Orphanet 774, MedGen C0039445, MONDO:0019180. Disease mechanism: loss of function.

Submission:

Labcorp Genetics (formerly Invitae), Labcorp
Classification: Uncertain significance for Hereditary hemorrhagic telangiectasia. Last evaluated: 2023-06-06. Review status: criteria provided, single submitter. Criteria: Invitae Variant Classification Sherloc (09022015). Collection method: clinical testing. Allele origin: germline.
Comment: This sequence change replaces serine, which is neutral and polar, with glycine, which is neutral and non-polar, at codon 576 of the ENG protein (p.Ser576Gly). This variant is not present in population databases (gnomAD no frequency). This missense change has been observed in individual(s) with hereditary hemorrhagic telangiectasia (PMID: 21158752). ClinVar contains an entry for this variant (Variation ID: 582079). Advanced modeling of protein sequence and biophysical properties (such as structural, functional, and spatial information, amino acid conservation, physicochemical variation, residue mobility, and thermodynamic stability) performed at Invitae indicates that this missense variant is not expected to disrupt ENG protein function. In summary, the available evidence is currently insufficient to determine the role of this variant in disease. Therefore, it has been classified as a Variant of Uncertain Significance.

Literature cited by the submitters: PubMed 21158752.